The following is an entry in ClinVar:

ClinVar aggregate classification (germline): Uncertain significance. Review status: criteria provided, multiple submitters, no conflicts (2 of 4 stars). 3 submissions from 3 submitters: Uncertain significance (3). Last evaluated 2024-10-07.

Conditions:
Hereditary cancer-predisposing syndrome. Also called: Tumor predisposition; Hereditary Cancer Syndrome; Neoplastic Syndromes, Hereditary; Hereditary neoplastic syndrome. Identifiers: Orphanet 140162, MedGen C0027672, MeSH D009386, MONDO:0015356.
Ataxia-telangiectasia syndrome (AT). Also called: Cerebello-oculocutaneous telangiectasia; Immunodeficiency with ataxia telangiectasia; Ataxia telangiectasia (A-T); LOUIS-BAR SYNDROME; ATAXIA-TELANGIECTASIA, COMPLEMENTATION GROUP A; ATAXIA-TELANGIECTASIA, FRESNO VARIANT. Identifiers: Orphanet 100, MedGen C0004135, MONDO:0008840, OMIM 208900.

Submissions (3):

Labcorp Genetics (formerly Invitae), Labcorp
Classification: Uncertain significance for Ataxia-telangiectasia syndrome. Last evaluated: 2024-10-07. Review status: criteria provided, single submitter. Criteria: Invitae Variant Classification Sherloc (09022015). Collection method: clinical testing. Allele origin: germline.
Comment: This sequence change replaces proline, which is neutral and non-polar, with alanine, which is neutral and non-polar, at codon 1376 of the ATM protein (p.Pro1376Ala). This variant is not present in population databases (gnomAD no frequency). This variant has not been reported in the literature in individuals affected with ATM-related conditions. ClinVar contains an entry for this variant (Variation ID: 216213). Invitae Evidence Modeling of protein sequence and biophysical properties (such as structural, functional, and spatial information, amino acid conservation, physicochemical variation, residue mobility, and thermodynamic stability) has been performed for this missense variant. However, the output from this modeling did not meet the statistical confidence thresholds required to predict the impact of this variant on ATM protein function. In summary, the available evidence is currently insufficient to determine the role of this variant in disease. Therefore, it has been classified as a Variant of Uncertain Significance.

Ambry Genetics
Classification: Uncertain significance for Hereditary cancer-predisposing syndrome. Last evaluated: 2023-05-28. Review status: criteria provided, single submitter. Criteria: Ambry Variant Classification Scheme 2023. Collection method: clinical testing. Allele origin: germline.
Comment: The p.P1376A variant (also known as c.4126C>G), located in coding exon 27 of the ATM gene, results from a C to G substitution at nucleotide position 4126. The proline at codon 1376 is replaced by alanine, an amino acid with highly similar properties. This amino acid position is conserved. In addition, the in silico prediction for this alteration is inconclusive. Since supporting evidence is limited at this time, the clinical significance of this alteration remains unclear.

GeneDx
Classification: Uncertain significance. Last evaluated: 2020-11-04. Review status: criteria provided, single submitter. Criteria: GeneDx Variant Classification Process June 2021. Collection method: clinical testing. Allele origin: germline. Affected: yes.
Comment: Not observed in large population cohorts (Lek et al., 2016); In silico analysis supports that this missense variant has a deleterious effect on protein structure/function; Has not been previously published as pathogenic or benign to our knowledge

NM_000051.4(ATM):c.4126C>G (p.Pro1376Ala)

Gene: ATM (ATM serine/threonine kinase; plus strand). Cytogenetic location: 11q22.3.
Variant type: single nucleotide variant.
Coding change: c.4126C>G on transcript NM_000051.4 (MANE Select); coding-DNA position 4126, C replaced by G.
Protein change: p.Pro1376Ala; replaces proline 1376 with alanine.
Molecular consequence: missense variant.
Genome position (GRCh38, 1-based): chr11:108,288,993, C>G. VCF-style: chr11-108288993-C-G. GRCh37 (hg19) VCF-style: chr11-108159720-C-G.
Other names: c.4126C>G, p.Pro1376Ala (NM_001351834.2); short protein forms P1376A.
Identifiers: ClinVar variation 216213 (VCV000216213.12), dbSNP rs863224571, ClinGen allele CA338659.